The following is an entry in ClinVar:

NC_000008.10:g.(?_30941261)_(30947513_?)del

Gene: WRN (WRN RecQ like helicase; plus strand). Cytogenetic location: 8p12.
Variant type: Deletion.
Identifiers: ClinVar variation 2423322 (VCV002423322.2).

ClinVar aggregate classification (germline): Likely pathogenic (1 of 4 stars; one submission).

Conditions:
Werner syndrome (WRN). Identifiers: Orphanet 902, MedGen C0043119, MONDO:0010196, OMIM 277700.

Submission:

Labcorp Genetics (formerly Invitae), Labcorp
Classification: Likely pathogenic for Werner syndrome. Last evaluated: 2022-08-16. Review status: criteria provided, single submitter. Criteria: Invitae Variant Classification Sherloc (09022015). Collection method: clinical testing. Allele origin: germline.
Comment: In summary, the currently available evidence indicates that the variant is pathogenic, but additional data are needed to prove that conclusively. Therefore, this variant has been classified as Likely Pathogenic. This variant has not been reported in the literature in individuals affected with WRN-related conditions. This variant results in the deletion of exons 11-13 and part of exon 10 (c.1316_1653-468delinsCAC) of the WRN gene. It is expected to disrupt RNA splicing. Variants that disrupt the donor or acceptor splice site typically lead to a loss of protein function (PMID: 16199547), and loss-of-function variants in WRN are known to be pathogenic (PMID: 16673358).

Literature cited by the submitters: PubMed 16199547; PubMed 16673358.